The following is an entry in ClinVar:

ClinVar aggregate classification (germline): Benign/Likely benign. Review status: criteria provided, multiple submitters, no conflicts (2 of 4 stars). 5 submissions from 5 submitters: Benign (1); Likely benign (3). 1 of the submissions does not count toward it. Last evaluated 2026-01-27.

Conditions:
Bone fragility with contractures, arterial rupture, and deafness. Also called: LH3 DEFICIENCY; LYSYL HYDROXYLASE 3 DEFICIENCY; BCARD SYNDROME; BONE ABNORMALITIES, CATARACT, ARTERIAL RUPTURE, AND DEAFNESS. Identifiers: Orphanet 300284, MedGen C2676285, MONDO:0012892, OMIM 612394.
PLOD3-related disorder. Also called: PLOD3-related condition.

Allele frequency attached by ClinVar (database versions not stated): ESP Exome Variant Server 0.00046; 1000 Genomes Project 0.00060; 1000 Genomes Project 30x 0.00062; gnomAD 0.00078 and 0.00090; TOPMed 0.00078; gnomAD exomes 0.00156; ExAC 0.00435.
gnomAD v4.1: 2,457 of 1,594,700 alleles (0.15%); highest among the groups gnomAD compares: South Asian, 0.83%; 10 homozygotes.

Submissions (5):

Labcorp Genetics (formerly Invitae), Labcorp
Classification: Benign. Last evaluated: 2026-01-27. Review status: criteria provided, single submitter. Criteria: Invitae Variant Classification Sherloc (09022015). Collection method: clinical testing. Allele origin: germline.

CeGaT Center for Human Genetics Tuebingen
Classification: Likely benign. Last evaluated: 2026-01-01. Review status: criteria provided, single submitter. Criteria: CeGaT Center For Human Genetics Tuebingen Variant Classification Criteria Version 2. Collection method: clinical testing. Allele origin: germline. Affected: yes. Observed: 3 variant alleles.
Comment: PLOD3: BP4

Blueprint Genetics
Classification: Likely benign. Last evaluated: 2024-11-27. Review status: criteria provided, single submitter. Criteria: ACMG Guidelines, 2015. Collection method: clinical testing. Allele origin: germline.

ARUP Laboratories, Molecular Genetics and Genomics, ARUP Laboratories
Classification: Likely benign for Bone fragility with contractures, arterial rupture, and deafness. Last evaluated: 2018-12-19. Review status: criteria provided, single submitter. Criteria: ARUP Molecular Germline Variant Investigation Process. Collection method: clinical testing. Allele origin: germline.

PreventionGenetics, part of Exact Sciences
Classification: Benign for PLOD3-related condition. Last evaluated: 2020-02-18. Review status: no assertion criteria provided. Collection method: clinical testing. Allele origin: germline. Not counted in ClinVar's aggregate classification.
Comment: This variant is classified as benign based on ACMG/AMP sequence variant interpretation guidelines (Richards et al. 2015 PMID: 25741868, with internal and published modifications).

NM_001084.5(PLOD3):c.1678G>C (p.Glu560Gln)

Gene: PLOD3 (procollagen-lysine,2-oxoglutarate 5-dioxygenase 3; minus strand). Cytogenetic location: 7q22.1.
Variant type: single nucleotide variant.
Coding change: c.1678G>C on transcript NM_001084.5 (MANE Select); coding-DNA position 1678, G replaced by C.
Protein change: p.Glu560Gln; replaces glutamic acid 560 with glutamine.
Molecular consequence: missense variant.
Genome position (GRCh38, 1-based): chr7:101,210,098, C>G on the plus strand (G>C on the coding strand, the complement: PLOD3 is on the minus strand). VCF-style: chr7-101210098-C-G. GRCh37 (hg19) VCF-style: chr7-100853379-C-G.
Other names: short protein forms E560Q.
Identifiers: ClinVar variation 624295 (VCV000624295.60), dbSNP rs140879834, ClinGen allele CA4407575.